The following is an entry in ClinVar:

ClinVar aggregate classification (germline): Benign (1 of 4 stars; one submission).

Allele frequency attached by ClinVar (database versions not stated): 1000 Genomes Project 30x 0.11493; 1000 Genomes Project 0.11621; TOPMed 0.12084; gnomAD 0.12242 and 0.12366; gnomAD exomes 0.12661.
gnomAD v4.1: 85,193 of 677,350 alleles (13%); highest among the groups gnomAD compares: South Asian, 17%; 5,707 homozygotes.

Submission:

GeneDx
Classification: Benign. Last evaluated: 2018-06-14. Review status: criteria provided, single submitter. Criteria: GeneDx Variant Classification (06012015). Collection method: clinical testing. Allele origin: germline. Affected: yes.
Comment: This variant is considered likely benign or benign based on one or more of the following criteria: it is a conservative change, it occurs at a poorly conserved position in the protein, it is predicted to be benign by multiple in silico algorithms, and/or has population frequency not consistent with disease.

NM_144670.6(A2ML1):c.3265-148G>A

Gene: A2ML1 (alpha-2-macroglobulin like 1; plus strand). Cytogenetic location: 12p13.31.
Variant type: single nucleotide variant.
Coding change: c.3265-148G>A on transcript NM_144670.6 (MANE Select); 148 bases into the intron before coding-DNA position 3265, G replaced by A.
Molecular consequence: intron variant.
Genome position (GRCh38, 1-based): chr12:8,860,733, G>A. VCF-style: chr12-8860733-G-A. GRCh37 (hg19) VCF-style: chr12-9013329-G-A.
Other names: c.1792-148G>A (NM_001282424.3).
Identifiers: ClinVar variation 561568 (VCV000561568.1), dbSNP rs17802465, ClinGen allele CA15760095.
Genomic context (GRCh38, chr12:8,860,733, plus strand): 5'-TGTGCAGTTATGAAGTCCAAACTGTTCCCTCTTTGTGTGTCCTGGAGGCTTGGAGCTGCA[G>A]AAAGCCTGTGGAAAAAAGAGCTTTCTTTTCTTTTTTCTTTTTAAAAATTATTCATCTATT-3'